The following is an entry in ClinVar:

NM_000051.4(ATM):c.5116A>G (p.Lys1706Glu)

Gene: ATM (ATM serine/threonine kinase; plus strand). Cytogenetic location: 11q22.3.
Variant type: single nucleotide variant.
Coding change: c.5116A>G on transcript NM_000051.4 (MANE Select); coding-DNA position 5116, A replaced by G.
Protein change: p.Lys1706Glu; replaces lysine 1706 with glutamic acid.
Molecular consequence: missense variant.
Genome position (GRCh38, 1-based): chr11:108,299,824, A>G. VCF-style: chr11-108299824-A-G. GRCh37 (hg19) VCF-style: chr11-108170551-A-G.
Other names: c.5116A>G, p.Lys1706Glu (NM_001351834.2); short protein forms K1706E.
Identifiers: ClinVar variation 825459 (VCV000825459.8), dbSNP rs1291151519, ClinGen allele CA382540829.

ClinVar aggregate classification (germline): Uncertain significance. Review status: criteria provided, multiple submitters, no conflicts (2 of 4 stars). 2 submissions from 2 submitters: Uncertain significance (2). Last evaluated 2025-04-02.

Conditions:
Ataxia-telangiectasia syndrome (AT). Also called: ATAXIA-TELANGIECTASIA, COMPLEMENTATION GROUP A; ATAXIA-TELANGIECTASIA, FRESNO VARIANT; Ataxia-telangiectasia, complementation group E; Ataxia telangiectasia (A-T); LOUIS-BAR SYNDROME; Cerebello-oculocutaneous telangiectasia. Identifiers: Orphanet 100, MedGen C0004135, MONDO:0008840, OMIM 208900.
Hereditary cancer-predisposing syndrome. Also called: Neoplastic Syndromes, Hereditary; Hereditary Cancer Syndrome; Hereditary neoplastic syndrome; Tumor predisposition. Identifiers: Orphanet 140162, MedGen C0027672, MeSH D009386, MONDO:0015356.

Allele frequency attached by ClinVar (database versions not stated): gnomAD exomes below 0.00001; TOPMed below 0.00001.
gnomAD v4.1: 1 of 1,613,988 alleles (0.000062%); highest among the groups gnomAD compares: Admixed American, 0.0017%; no homozygotes.

Submissions (2):

Ambry Genetics
Classification: Uncertain significance for Hereditary cancer-predisposing syndrome. Last evaluated: 2025-04-02. Review status: criteria provided, single submitter. Criteria: Ambry Variant Classification Scheme 2023. Collection method: clinical testing. Allele origin: germline.
Comment: The p.K1706E variant (also known as c.5116A>G), located in coding exon 33 of the ATM gene, results from an A to G substitution at nucleotide position 5116. The lysine at codon 1706 is replaced by glutamic acid, an amino acid with similar properties. This amino acid position is not well conserved in available vertebrate species. In addition, this alteration is predicted to be tolerated by in silico analysis. Based on the available evidence, the clinical significance of this variant remains unclear.

Labcorp Genetics (formerly Invitae), Labcorp
Classification: Uncertain significance for Ataxia-telangiectasia syndrome. Last evaluated: 2024-02-07. Review status: criteria provided, single submitter. Criteria: Invitae Variant Classification Sherloc (09022015). Collection method: clinical testing. Allele origin: germline.
Comment: This sequence change replaces lysine, which is basic and polar, with glutamic acid, which is acidic and polar, at codon 1706 of the ATM protein (p.Lys1706Glu). This variant is present in population databases (no rsID available, gnomAD 0.003%). This variant has not been reported in the literature in individuals affected with ATM-related conditions. ClinVar contains an entry for this variant (Variation ID: 825459). An algorithm developed to predict the effect of missense changes on protein structure and function (PolyPhen-2) suggests that this variant is likely to be tolerated. In summary, the available evidence is currently insufficient to determine the role of this variant in disease. Therefore, it has been classified as a Variant of Uncertain Significance.